The following is an entry in ClinVar:

NM_005228.5(EGFR):c.2328C>A (p.Arg776=)

Genes: EGFR-AS1 (EGFR antisense RNA 1; minus strand), EGFR (epidermal growth factor receptor; plus strand). Cytogenetic location: 7p11.2.
Variant type: single nucleotide variant.
Coding change: c.2328C>A on transcript NM_005228.5 (MANE Select); coding-DNA position 2328, C replaced by A.
Protein change: p.Arg776=; no amino-acid change (arginine 776 retained).
Molecular consequence: synonymous variant. On other transcripts: non-coding transcript variant (1).
Genome position (GRCh38, 1-based): chr7:55,181,337, C>A. VCF-style: chr7-55181337-C-A. GRCh37 (hg19) VCF-style: chr7-55249030-C-A.
Other names: c.2193C>A, p.Arg731= (NM_001346897.2, NM_001346899.2); c.2328C>A, p.Arg776= (NM_001346898.2); c.2169C>A, p.Arg723= (NM_001346900.2); c.1527C>A, p.Arg509= (NM_001346941.2); c.2328C>A (NM_005228.3).
Identifiers: ClinVar variation 1093215 (VCV001093215.11), dbSNP rs142999400, ClinGen allele CA4266055.

ClinVar aggregate classification (germline): Benign/Likely benign. Review status: criteria provided, multiple submitters, no conflicts (2 of 4 stars). 3 submissions from 3 submitters: Benign (1); Likely benign (2). Last evaluated 2025-11-22.

Conditions:
EGFR-related lung cancer (EGFR). Identifiers: MedGen CN130014.
Hereditary cancer-predisposing syndrome. Also called: Hereditary Cancer Syndrome; Neoplastic Syndromes, Hereditary; Hereditary neoplastic syndrome; Tumor predisposition. Identifiers: Orphanet 140162, MedGen C0027672, MeSH D009386, MONDO:0015356.
Lung cancer. Also called: Lung cancer, somatic; Malignant tumor of lung. Identifiers: MedGen C0242379, MONDO:0008903, OMIM 211980.

Allele frequency attached by ClinVar (database versions not stated): gnomAD exomes below 0.00001 and 0.00002; ExAC 0.00001; ESP Exome Variant Server 0.00008.
gnomAD v4.1: 25 of 1,614,228 alleles (0.0015%); highest among the groups gnomAD compares: Non-Finnish European, 0.0019%; no homozygotes.

Submissions (3):

Labcorp Genetics (formerly Invitae), Labcorp
Classification: Likely benign for EGFR-related lung cancer. Last evaluated: 2025-11-22. Review status: criteria provided, single submitter. Criteria: Invitae Variant Classification Sherloc (09022015). Collection method: clinical testing. Allele origin: germline.

Myriad Genetics, Inc.
Classification: Benign for Lung cancer. Last evaluated: 2024-10-16. Review status: criteria provided, single submitter. Criteria: Myriad Autosomal Dominant, Autosomal Recessive and X-Linked Classification Criteria (2023). Collection method: clinical testing. Allele origin: unknown.
Comment: This variant is considered benign. This variant is a silent/synonymous amino acid change and it is not expected to impact splicing.

Ambry Genetics
Classification: Likely benign for Hereditary cancer-predisposing syndrome. Last evaluated: 2024-04-16. Review status: criteria provided, single submitter. Criteria: Ambry Variant Classification Scheme 2023. Collection method: clinical testing. Allele origin: germline.